The following is an entry in ClinVar:

ClinVar aggregate classification (germline): Conflicting classifications of pathogenicity. Review status: criteria provided, conflicting classifications (1 of 4 stars). 2 submissions from 2 submitters: Uncertain significance (1); Likely benign (1). Last evaluated 2025-10-16.

Conditions:
Muscle AMP deaminase deficiency (MMDD). Also called: Myoadenylate deaminase deficiency, myopathy due to; Adenosine monophosphate deaminase 1 deficiency; AMP deaminase 1 deficiency; Adenosine Monophosphate Deaminase 1; ADENOSINE MONOPHOSPHATE DEAMINASE-1 DEFICIENCY, MYOPATHY DUE TO; AMPD1 DEFICIENCY. Identifiers: Orphanet 45, MedGen C3714933, MONDO:0014220, OMIM 615511.

Allele frequency attached by ClinVar (database versions not stated): gnomAD below 0.00001 and 0.00006; TOPMed 0.00001; 1000 Genomes Project 30x 0.00016; 1000 Genomes Project 0.00020; ExAC 0.00023; gnomAD exomes 0.00025.
gnomAD v4.1: 165 of 1,614,158 alleles (0.01%); highest among the groups gnomAD compares: South Asian, 0.17%; no homozygotes.

Submissions (2):

Labcorp Genetics (formerly Invitae), Labcorp
Classification: Likely benign for Muscle AMP deaminase deficiency. Last evaluated: 2025-10-16. Review status: criteria provided, single submitter. Criteria: Invitae Variant Classification Sherloc (09022015). Collection method: clinical testing. Allele origin: germline.

Neuberg Centre For Genomic Medicine, NCGM
Classification: Uncertain significance for Muscle AMP deaminase deficiency. Review status: criteria provided, single submitter. Criteria: ACMG Guidelines, 2015. Collection method: clinical testing. Allele origin: germline. Inheritance: Autosomal recessive inheritance. Affected: yes.
Comment: The observed missense c.323C>T(p.Thr108Ile) variant in AMPD1 gene has not been reported previously as a pathogenic variant nor as a benign variant, to our knowledge. The p.Thr108Ile variant is present with allele frequency 0.02% in gnomAD Exomes. This variant has been submitted to the ClinVar database as Likely Benign. Multiple lines of computational evidence (SIFT - Tolerated and MutationTaster - Polymorphism) predict no damaging effect on protein structure and function for this variant. The reference amino acid of p.Thr108Ile in AMPD1 is predicted as conserved by GERP++ and PhyloP across 100 vertebrates. The amino acid Thr at position 108 is changed to a Ile changing protein sequence and it might alter its composition and physico-chemical properties. Additional functional stuides will be required to prove the pathogenicity of this variant. For these reasons, this variant has been classified as Variant of Uncertain Significance (VUS).

NM_000036.3(AMPD1):c.323C>T (p.Thr108Ile)

Gene: AMPD1 (adenosine monophosphate deaminase 1; minus strand). Cytogenetic location: 1p13.2.
Variant type: single nucleotide variant.
Coding change: c.323C>T on transcript NM_000036.3 (MANE Select); coding-DNA position 323, C replaced by T.
Protein change: p.Thr108Ile; replaces threonine 108 with isoleucine.
Molecular consequence: missense variant.
Genome position (GRCh38, 1-based): chr1:114,686,803, G>A on the plus strand (C>T on the coding strand, the complement: AMPD1 is on the minus strand). VCF-style: chr1-114686803-G-A. GRCh37 (hg19) VCF-style: chr1-115229424-G-A.
Other names: c.311C>T, p.Thr104Ile (NM_001172626.2); short protein forms T141I, T104I, T108I.
Identifiers: ClinVar variation 576813 (VCV000576813.13), dbSNP rs547487220, ClinGen allele CA1020467.
Genomic context (GRCh38, chr1:114,686,803, plus strand): 5'-ACCCCAGAGGCATAGTCACCAGTAATCTGCACTCTCTGAAAATCAGGCACGGTCTGGTAG[G>A]TTGGAGATGAGGAAATGTATTCATCAATGTGGGACAGTTTGGTGGAAGATGTTTCACTTA-3'
Protein context (NP_000027.3, residues 98-118): HIDEYISSSP[Thr108Ile]YQTVPDFQRV